The following is an entry in ClinVar:

ClinVar aggregate classification (germline): Conflicting classifications of pathogenicity. Review status: criteria provided, conflicting classifications (1 of 4 stars). 2 submissions from 2 submitters: Pathogenic (1); Uncertain significance (1). Last evaluated 2025-11-18.

Conditions:
Hereditary cancer-predisposing syndrome. Also called: Neoplastic Syndromes, Hereditary; Hereditary Cancer Syndrome; Hereditary neoplastic syndrome; Tumor predisposition. Identifiers: Orphanet 140162, MedGen C0027672, MeSH D009386, MONDO:0015356.

Submissions (2):

Labcorp Genetics (formerly Invitae), Labcorp
Classification: Pathogenic. Last evaluated: 2025-11-18. Review status: criteria provided, single submitter. Criteria: Invitae Variant Classification Sherloc (09022015). Collection method: clinical testing. Allele origin: germline.
Comment: This sequence change creates a premature translational stop signal (p.His1654Serfs*40) in the POLE gene. It is expected to result in an absent or disrupted protein product. Loss-of-function variants in POLE are known to be pathogenic (PMID: 23230001, 25948378, 30503519). This variant is not present in population databases (gnomAD no frequency). This variant has not been reported in the literature in individuals affected with POLE-related conditions. ClinVar contains an entry for this variant (Variation ID: 540807). For these reasons, this variant has been classified as Pathogenic.

Ambry Genetics
Classification: Uncertain significance for Hereditary cancer-predisposing syndrome. Last evaluated: 2025-01-07. Review status: criteria provided, single submitter. Criteria: Ambry Variant Classification Scheme 2023. Collection method: clinical testing. Allele origin: germline.
Comment: The c.4959dupT variant, located in coding exon 38 of the POLE gene, results from a duplication of T at nucleotide position 4959, causing a translational frameshift with a predicted alternate stop codon (p.H1654Sfs*40). This alteration is expected to result in loss of function by premature protein truncation or nonsense-mediated mRNA decay. Loss-of-function variants subject to nonsense mediated decay (NMD) in POLE are known to cause POLE deficiency; however, such associations with POLE-related polymerase proofreading-associated polyposis (PPAP) have not been reported. Based on the supporting evidence, this alteration is pathogenic for POLE deficiency; however, the association of this alteration with POLE-related polymerase proofreading-associated polyposis (PPAP) and POLE-related CMMRD-like syndrome is unknown.

Literature cited by the submitters: PubMed 23230001 (cited by Labcorp Genetics (formerly Invitae), Labcorp); PubMed 25948378 (cited by Labcorp Genetics (formerly Invitae), Labcorp); PubMed 30503519 (cited by Labcorp Genetics (formerly Invitae), Labcorp).

NM_006231.4(POLE):c.4959dup (p.His1654fs)

Gene: POLE (DNA polymerase epsilon, catalytic subunit; minus strand). Cytogenetic location: 12q24.33.
Variant type: Duplication.
Coding change: c.4959dup on transcript NM_006231.4 (MANE Select); coding-DNA position 4959, one base duplicated (T; older notation c.4959dupT).
Protein change: p.His1654fs; shifts the reading frame from histidine 1654.
Molecular consequence: frameshift variant.
Genome position (GRCh38, 1-based): chr12:132,642,391, A duplicated on the plus strand (T on the coding strand, the reverse complement: POLE is on the minus strand); the first of 3 consecutive A bases (chr12:132,642,391-132,642,393); duplicating any one gives the same sequence. VCF-style (leftmost placement, unchanged base first): chr12-132642390-G-GA. GRCh37 (hg19) VCF-style: chr12-133218976-G-GA.
Other names: c.4959dupT (NM_006231.2, NM_006231.3); short protein forms H1654fs.
Identifiers: ClinVar variation 540807 (VCV000540807.10), dbSNP rs1555222526, ClinGen allele CA658798021.